The following is an entry in ClinVar:

ClinVar aggregate classification (germline): Uncertain significance (1 of 4 stars; one submission).

Conditions:
Cystic fibrosis (CF). Also called: MUCOVISCIDOSIS. Identifiers: Orphanet 586, MedGen C0010674, MONDO:0009061, OMIM 219700. Disease mechanism: loss of function.

Allele frequency attached by ClinVar (database versions not stated): TOPMed below 0.00001; gnomAD 0.00001; gnomAD exomes 0.00001.
gnomAD v4.1: 8 of 1,613,850 alleles (0.0005%); highest among the groups gnomAD compares: Non-Finnish European, 0.00068%; no homozygotes.

Submission:

Ambry Genetics
Classification: Uncertain significance for Cystic fibrosis. Last evaluated: 2024-07-23. Review status: criteria provided, single submitter. Criteria: Ambry Variant Classification Scheme 2023. Collection method: clinical testing. Allele origin: germline.
Comment: The p.D674Y variant (also known as c.2020G>T), located in coding exon 14 of the CFTR gene, results from a G to T substitution at nucleotide position 2020. The aspartic acid at codon 674 is replaced by tyrosine, an amino acid with highly dissimilar properties. This amino acid position is not well conserved in available vertebrate species. In addition, the in silico prediction for this alteration is inconclusive. Based on the available evidence, the clinical significance of this variant remains unclear.

NM_000492.4(CFTR):c.2020G>T (p.Asp674Tyr)

Gene: CFTR (CF transmembrane conductance regulator; plus strand). Cytogenetic location: 7q31.2.
Variant type: single nucleotide variant.
Coding change: c.2020G>T on transcript NM_000492.4 (MANE Select); coding-DNA position 2020, G replaced by T.
Protein change: p.Asp674Tyr; replaces aspartic acid 674 with tyrosine.
Molecular consequence: missense variant.
Genome position (GRCh38, 1-based): chr7:117,592,187, G>T. VCF-style: chr7-117592187-G-T. GRCh37 (hg19) VCF-style: chr7-117232241-G-T.
Other names: short protein forms D674Y.
Identifiers: ClinVar variation 1784559 (VCV001784559.3), dbSNP rs1277353547, ClinGen allele CA368979266.